The following is an entry in ClinVar:

ClinVar aggregate classification (germline): Uncertain significance (0 of 4 stars; one submission).

Submission:

Leiden Open Variation Database
Classification: Uncertain significance. Last evaluated: 2018-10-10. Review status: no assertion criteria provided. Collection method: curation. Allele origin: germline. Affected: yes.
Comment: Curators: Marc Tischkowitz, Arleen D. Auerbach. Submitter to LOVD: Yukihide Momozawa.

Literature cited by the submitters: PubMed 30287823.

NM_024675.4(PALB2):c.2272C>T (p.Pro758Ser)

Gene: PALB2 (partner and localizer of BRCA2; minus strand). Cytogenetic location: 16p12.2.
Variant type: single nucleotide variant.
Coding change: c.2272C>T on transcript NM_024675.4 (MANE Select); coding-DNA position 2272, C replaced by T.
Protein change: p.Pro758Ser; replaces proline 758 with serine.
Molecular consequence: missense variant.
Genome position (GRCh38, 1-based): chr16:23,629,882, G>A on the plus strand (C>T on the coding strand, the complement: PALB2 is on the minus strand). VCF-style: chr16-23629882-G-A. GRCh37 (hg19) VCF-style: chr16-23641203-G-A.
Other names: short protein forms P758S.
Identifiers: ClinVar variation 830163 (VCV000830163.1), dbSNP rs1064794078, ClinGen allele CA395125385.